The following is an entry in ClinVar:

ClinVar aggregate classification (germline): Uncertain significance (1 of 4 stars; one submission).

gnomAD v4.1: 2 of 1,176,498 alleles (0.00017%); highest among the groups gnomAD compares: Non-Finnish European, 0.00011%; no homozygotes.

Submissions (2):

Labcorp Genetics (formerly Invitae), Labcorp
Classification: Uncertain significance. Last evaluated: 2024-08-12. Review status: criteria provided, single submitter. Criteria: Invitae Variant Classification Sherloc (09022015). Collection method: clinical testing. Allele origin: germline.
Comment: This sequence change affects codon 201 of the SLC9A7 mRNA. It is a 'silent' change, meaning that it does not change the encoded amino acid sequence of the SLC9A7 protein. This variant also falls at the last nucleotide of exon 3, which is part of the consensus splice site for this exon. This variant is not present in population databases (gnomAD no frequency). This variant has not been reported in the literature in individuals affected with SLC9A7-related conditions. Variants that disrupt the consensus splice site are a relatively common cause of aberrant splicing (PMID: 17576681, 9536098). Algorithms developed to predict the effect of sequence changes on RNA splicing suggest that this variant is not likely to affect RNA splicing. In summary, the available evidence is currently insufficient to determine the role of this variant in disease. Therefore, it has been classified as a Variant of Uncertain Significance.

Dr. Peter K. Rogan Lab, Western University
No classification provided (evidence only). Condition: Nonpapillary renal cell carcinoma. Review status: no classification provided. Collection method: in vitro. Allele origin: not applicable. Functional consequence: retained intron. Not counted in ClinVar's aggregate classification.

Literature cited by the submitters: PubMed 17576681 (cited by Labcorp Genetics (formerly Invitae), Labcorp); PubMed 9536098 (cited by Labcorp Genetics (formerly Invitae), Labcorp).

NM_001257291.2(SLC9A7):c.603G>A (p.Lys201=)

Gene: SLC9A7 (solute carrier family 9 member A7; minus strand). Cytogenetic location: Xp11.3.
Variant type: single nucleotide variant.
Coding change: c.603G>A on transcript NM_001257291.2 (MANE Select); coding-DNA position 603, G replaced by A.
Protein change: p.Lys201=; no amino-acid change (lysine 201 retained).
Molecular consequence: synonymous variant.
Genome position (GRCh38, 1-based): chrX:46,679,678, C>T on the plus strand (G>A on the coding strand, the complement: SLC9A7 is on the minus strand). VCF-style: chrX-46679678-C-T. GRCh37 (hg19) VCF-style: chrX-46539113-C-T.
Other names: c.603G>A, p.Lys201= (NM_032591.3).
Identifiers: ClinVar variation 3661482 (VCV003661482.3).